The following is an entry in ClinVar:

NM_005428.4(VAV1):c.4G>C (p.Glu2Gln)

Gene: VAV1 (vav guanine nucleotide exchange factor 1; plus strand). Cytogenetic location: 19p13.3.
Variant type: single nucleotide variant.
Coding change: c.4G>C on transcript NM_005428.4 (MANE Select); coding-DNA position 4, G replaced by C.
Protein change: p.Glu2Gln; replaces glutamic acid 2 with glutamine.
Molecular consequence: missense variant.
Genome position (GRCh38, 1-based): chr19:6,772,811, G>C. VCF-style: chr19-6772811-G-C. GRCh37 (hg19) VCF-style: chr19-6772822-G-C.
Other names: c.4G>C, p.Glu2Gln (NM_001258206.2, NM_001258207.2); short protein forms E2Q.
Identifiers: ClinVar variation 1376846 (VCV001376846.6), dbSNP rs1358155015, ClinGen allele CA403647518.
Genomic context (GRCh38, chr19:6,772,811, plus strand): 5'-GCGGGTGGGTGGTGGAGGCTGCGAGGGTGCACGGCCGGCCCTGGGCAGGCGGTAGCCATG[G>C]AGCTGTGGCGCCAATGCACCCACTGGCTCATCCAGTGCCGGGTGCTGCCGCCCAGCCACC-3'
Protein context (NP_005419.2, residues 1-12): M[Glu2Gln]LWRQCTHWLI

ClinVar aggregate classification (germline): Uncertain significance (1 of 4 stars; one submission).

Allele frequency attached by ClinVar (database versions not stated): gnomAD exomes below 0.00001.
gnomAD v4.1: 1 of 1,613,288 alleles (0.000062%); highest among the groups gnomAD compares: Non-Finnish European, 0.000085%; no homozygotes.

Submission:

Labcorp Genetics (formerly Invitae), Labcorp
Classification: Uncertain significance. Last evaluated: 2024-02-17. Review status: criteria provided, single submitter. Criteria: Invitae Variant Classification Sherloc (09022015). Collection method: clinical testing. Allele origin: germline.
Comment: This sequence change replaces glutamic acid, which is acidic and polar, with glutamine, which is neutral and polar, at codon 2 of the VAV1 protein (p.Glu2Gln). This variant is not present in population databases (gnomAD no frequency). This variant has not been reported in the literature in individuals affected with VAV1-related conditions. ClinVar contains an entry for this variant (Variation ID: 1376846). An algorithm developed to predict the effect of missense changes on protein structure and function (PolyPhen-2) suggests that this variant is likely to be disruptive. In summary, the available evidence is currently insufficient to determine the role of this variant in disease. Therefore, it has been classified as a Variant of Uncertain Significance.